The following is an entry in ClinVar:

NM_152419.3(HGSNAT):c.80dup (p.Ser28fs)

Genes: HGSNAT (heparan-alpha-glucosaminide N-acetyltransferase; plus strand), LOC130000316 (ATAC-STARR-seq lymphoblastoid silent region 19164; plus strand). Cytogenetic location: 8p11.21.
Variant type: Duplication.
Coding change: c.80dup on transcript NM_152419.3 (MANE Select); coding-DNA position 80, one base duplicated (G; older notation c.80dupG).
Protein change: p.Ser28fs; shifts the reading frame from serine 28.
Molecular consequence: frameshift variant. On other transcripts: 5 prime UTR variant (1).
Genome position (GRCh38, 1-based): chr8:43,140,576, G duplicated; the last of 2 consecutive G bases (chr8:43,140,575-43,140,576); duplicating either gives the same sequence. VCF-style (leftmost placement, unchanged base first): chr8-43140574-C-CG. GRCh37 (hg19) VCF-style: chr8-42995717-C-CG.
Other names: c.80dup, p.Ser28fs (NM_001363227.2, NM_001363228.2); c.-754dup (NM_001363229.2); short protein forms S28fs.
Identifiers: ClinVar variation 5011963 (VCV005011963.1).

ClinVar aggregate classification (germline): Pathogenic (1 of 4 stars; one submission).

Conditions:
Mucopolysaccharidosis, MPS-III-C (MPS3C). Also called: SANFILIPPO SYNDROME C; MPS III C; MUCOPOLYSACCHARIDOSIS, TYPE IIIC; Mucopolysaccharidosis type IIIC (Sanfilippo C); mucopolysaccharidosis type 3C; MPS IIIC (Sanfilippo Syndrome Type C). Identifiers: Orphanet 581, Orphanet 79271, MedGen C0086649, MONDO:0009657, OMIM 252930.

Submission:

Myriad Genetics, Inc.
Classification: Pathogenic for Mucopolysaccharidosis, MPS-III-C. Last evaluated: 2023-09-27. Review status: criteria provided, single submitter. Criteria: Myriad Autosomal Dominant, Autosomal Recessive and X-Linked Classification Criteria (2023). Collection method: clinical testing. Allele origin: unknown.
Comment: NM_152419.2(HGSNAT):c.80dupG(S28Lfs*33) is expected to be pathogenic in the context of mucopolysaccharidosis type IIIC. This variant is predicted to lead to an abnormal or absent protein product due to the creation of a premature termination codon in HGSNAT, a gene where loss-of-function variants are known to be pathogenic. Please note: this variant was assessed in the context of healthy population screening.